The following is an entry in ClinVar:

NM_000539.3(RHO):c.325G>A (p.Gly109Arg)

Gene: RHO (rhodopsin; plus strand). Cytogenetic location: 3q22.1.
Variant type: single nucleotide variant.
Coding change: c.325G>A on transcript NM_000539.3 (MANE Select); coding-DNA position 325, G replaced by A.
Protein change: p.Gly109Arg; replaces glycine 109 with arginine.
Molecular consequence: missense variant.
Genome position (GRCh38, 1-based): chr3:129,529,058, G>A. VCF-style: chr3-129529058-G-A. GRCh37 (hg19) VCF-style: chr3-129247901-G-A.
Other names: short protein forms G109R.
Identifiers: ClinVar variation 866181 (VCV000866181.9), dbSNP rs1415160298, ClinGen allele CA354496896.
Genomic context (GRCh38, chr3:129,529,058, plus strand): 5'-GGTGGCTTCACCAGCACCCTCTACACCTCTCTGCATGGATACTTCGTCTTCGGGCCCACA[G>A]GATGCAATTTGGAGGGCTTCTTTGCCACCCTGGGCGGTATGAGCCGGGTGTGGGTGGGGT-3'
Protein context (NP_000530.1, residues 99-119): LHGYFVFGPT[Gly109Arg]CNLEGFFATL

ClinVar aggregate classification (germline): Pathogenic. Review status: criteria provided, multiple submitters, no conflicts (2 of 4 stars). 3 submissions from 3 submitters: Pathogenic (3). Last evaluated 2023-10-14.

Conditions:
RHO-related disorder. Also called: RHO-related condition.
Retinitis pigmentosa 4 (RP4). Also called: RETINITIS PIGMENTOSA, RHODOPSIN-RELATED. Identifiers: Orphanet 791, MedGen C3151001, MONDO:0013395, OMIM 613731.

Allele frequency attached by ClinVar (database versions not stated): TOPMed below 0.00001; gnomAD 0.00001.
gnomAD v4.1: 1 of 1,613,420 alleles (0.000062%); highest among the groups gnomAD compares: Non-Finnish European, 0.000085%; no homozygotes.

Submissions (3):

Labcorp Genetics (formerly Invitae), Labcorp
Classification: Pathogenic. Last evaluated: 2023-10-14. Review status: criteria provided, single submitter. Criteria: Invitae Variant Classification Sherloc (09022015). Collection method: clinical testing. Allele origin: germline.
Comment: This sequence change replaces glycine, which is neutral and non-polar, with arginine, which is basic and polar, at codon 109 of the RHO protein (p.Gly109Arg). This variant is not present in population databases (gnomAD no frequency). This missense change has been observed in individuals with autosomal dominant retinitis pigmentosa (PMID: 9452035, 31908405; Invitae). ClinVar contains an entry for this variant (Variation ID: 866181). Advanced modeling of protein sequence and biophysical properties (such as structural, functional, and spatial information, amino acid conservation, physicochemical variation, residue mobility, and thermodynamic stability) performed at Invitae indicates that this missense variant is expected to disrupt RHO protein function. Experimental studies are conflicting or provide insufficient evidence to determine the effect of this variant on RHO function (PMID: 30977563). For these reasons, this variant has been classified as Pathogenic.

Blueprint Genetics
Classification: Pathogenic for RHO-related disorders. Last evaluated: 2022-08-30. Review status: criteria provided, single submitter. Criteria: ACMG Guidelines, 2015. Collection method: clinical testing. Allele origin: germline. Affected: yes. Observed: 5 variant alleles.

Centre for Genomic Medicine, Manchester, Central Manchester University Hospitals
Classification: Pathogenic for Retinitis pigmentosa 4. Last evaluated: 2020-09-01. Review status: criteria provided, single submitter. Criteria: ACMG Guidelines, 2015. Collection method: clinical testing. Allele origin: germline. Affected: yes. Observed: 2 heterozygotes.

Literature cited by the submitters: PubMed 9452035 (cited by Labcorp Genetics (formerly Invitae), Labcorp); PubMed 31908405 (cited by Labcorp Genetics (formerly Invitae), Labcorp); PubMed 30977563 (cited by Labcorp Genetics (formerly Invitae), Labcorp).